The following is an entry in ClinVar:

NM_000245.4(MET):c.2860T>C (p.Trp954Arg)

Gene: MET (MET proto-oncogene, receptor tyrosine kinase; plus strand). Cytogenetic location: 7q31.2.
Variant type: single nucleotide variant.
Coding change: c.2860T>C on transcript NM_000245.4 (MANE Select); coding-DNA position 2860, T replaced by C.
Protein change: p.Trp954Arg; replaces tryptophan 954 with arginine.
Molecular consequence: missense variant.
Genome position (GRCh38, 1-based): chr7:116,771,627, T>C. VCF-style: chr7-116771627-T-C. GRCh37 (hg19) VCF-style: chr7-116411681-T-C.
Other names: c.2914T>C, p.Trp972Arg (NM_001127500.3); c.1570T>C, p.Trp524Arg (NM_001324402.2); short protein forms W972R, W524R, W954R.
Identifiers: ClinVar variation 2495619 (VCV002495619.6), dbSNP rs2116993003, ClinGen allele CA368986714.

ClinVar aggregate classification (germline): Uncertain significance. Review status: criteria provided, multiple submitters, no conflicts (2 of 4 stars). 2 submissions from 2 submitters: Uncertain significance (2). Last evaluated 2026-08-24.

Conditions:
Renal cell carcinoma. Identifiers: Orphanet 217071, MedGen C0007134, MeSH D002292, MONDO:0005086, HP:0005584.
Hereditary cancer-predisposing syndrome. Also called: Hereditary Cancer Syndrome; Hereditary neoplastic syndrome; Neoplastic Syndromes, Hereditary; Tumor predisposition. Identifiers: Orphanet 140162, MedGen C0027672, MeSH D009386, MONDO:0015356.

Submissions (2):

Ambry Genetics
Classification: Uncertain significance for Hereditary cancer-predisposing syndrome. Last evaluated: 2026-08-24. Review status: criteria provided, single submitter. Criteria: Ambry Variant Classification Scheme 2023. Collection method: clinical testing. Allele origin: germline.
Comment: The p.W972R variant (also known as c.2914T>C), located in coding exon 12 of the MET gene, results from a T to C substitution at nucleotide position 2914. The tryptophan at codon 972 is replaced by arginine, an amino acid with dissimilar properties. This amino acid position is highly conserved in available vertebrate species. In addition, this alteration is predicted to be deleterious by in silico analysis. Based on the available evidence, the clinical significance of this variant remains unclear.

Labcorp Genetics (formerly Invitae), Labcorp
Classification: Uncertain significance for Renal cell carcinoma. Last evaluated: 2023-07-16. Review status: criteria provided, single submitter. Criteria: Invitae Variant Classification Sherloc (09022015). Collection method: clinical testing. Allele origin: germline.
Comment: This variant has not been reported in the literature in individuals affected with MET-related conditions. In summary, the available evidence is currently insufficient to determine the role of this variant in disease. Therefore, it has been classified as a Variant of Uncertain Significance. Advanced modeling of protein sequence and biophysical properties (such as structural, functional, and spatial information, amino acid conservation, physicochemical variation, residue mobility, and thermodynamic stability) performed at Invitae indicates that this missense variant is expected to disrupt MET protein function. ClinVar contains an entry for this variant (Variation ID: 2495619). This variant is not present in population databases (gnomAD no frequency). This sequence change replaces tryptophan, which is neutral and slightly polar, with arginine, which is basic and polar, at codon 972 of the MET protein (p.Trp972Arg).